The following is an entry in ClinVar:

NM_000142.5(FGFR3):c.556A>G (p.Ile186Val)

Gene: FGFR3 (fibroblast growth factor receptor 3; plus strand). Cytogenetic location: 4p16.3.
Variant type: single nucleotide variant.
Coding change: c.556A>G on transcript NM_000142.5 (MANE Select); coding-DNA position 556, A replaced by G.
Protein change: p.Ile186Val; replaces isoleucine 186 with valine.
Molecular consequence: missense variant. On other transcripts: non-coding transcript variant (1).
Genome position (GRCh38, 1-based): chr4:1,801,477, A>G. VCF-style: chr4-1801477-A-G. GRCh37 (hg19) VCF-style: chr4-1803204-A-G.
Other names: c.556A>G, p.Ile186Val (NM_001354810.2, NM_022965.4, NM_001163213.2 and 1 more transcripts); short protein forms I186V.
Identifiers: ClinVar variation 2706183 (VCV002706183.4), dbSNP rs1721167395, ClinGen allele CA355975150.

ClinVar aggregate classification (germline): Uncertain significance. Review status: criteria provided, multiple submitters, no conflicts (2 of 4 stars). 2 submissions from 2 submitters: Uncertain significance (2). Last evaluated 2025-05-27.

Allele frequency attached by ClinVar (database versions not stated): gnomAD exomes below 0.00001; TOPMed below 0.00001.
gnomAD v4.1: 1 of 1,556,312 alleles (0.000064%); highest among the groups gnomAD compares: Non-Finnish European, 0.000087%; no homozygotes.

Submissions (2):

GeneDx
Classification: Uncertain significance. Last evaluated: 2025-05-27. Review status: criteria provided, single submitter. Criteria: GeneDx Variant Classification Process June 2021. Collection method: clinical testing. Allele origin: germline. Affected: yes.
Comment: Not observed at significant frequency in large population cohorts (gnomAD); In silico analysis suggests that this missense variant does not alter protein structure/function; Has not been previously published as pathogenic or benign to our knowledge

Labcorp Genetics (formerly Invitae), Labcorp
Classification: Uncertain significance. Last evaluated: 2024-01-05. Review status: criteria provided, single submitter. Criteria: Invitae Variant Classification Sherloc (09022015). Collection method: clinical testing. Allele origin: germline.
Comment: This sequence change replaces isoleucine, which is neutral and non-polar, with valine, which is neutral and non-polar, at codon 186 of the FGFR3 protein (p.Ile186Val). This variant is not present in population databases (gnomAD no frequency). This variant has not been reported in the literature in individuals affected with FGFR3-related conditions. Advanced modeling of protein sequence and biophysical properties (such as structural, functional, and spatial information, amino acid conservation, physicochemical variation, residue mobility, and thermodynamic stability) performed at Invitae indicates that this missense variant is not expected to disrupt FGFR3 protein function with a negative predictive value of 95%. In summary, the available evidence is currently insufficient to determine the role of this variant in disease. Therefore, it has been classified as a Variant of Uncertain Significance.